The following is an entry in ClinVar:

NM_001395002.1(MAP4K4):c.161A>G (p.Lys54Arg)

Gene: MAP4K4 (mitogen-activated protein kinase kinase kinase kinase 4; plus strand). Cytogenetic location: 2q11.2.
Variant type: single nucleotide variant.
Coding change: c.161A>G on transcript NM_001395002.1 (MANE Select); coding-DNA position 161, A replaced by G.
Protein change: p.Lys54Arg; replaces lysine 54 with arginine.
Molecular consequence: missense variant. On other transcripts: non-coding transcript variant (4).
Genome position (GRCh38, 1-based): chr2:101,790,757, A>G. VCF-style: chr2-101790757-A-G. GRCh37 (hg19) VCF-style: chr2-102407219-A-G.
Other names: c.161A>G, p.Lys54Arg (NM_004834.5, NM_145686.4, NM_145687.4 and 28 more transcripts); c.134A>G, p.Lys45Arg (NM_001384549.1, NM_001384550.1, NM_001384551.1 and 16 more transcripts); short protein forms K45R, K54R.
Identifiers: ClinVar variation 4624277 (VCV004624277.1).

ClinVar aggregate classification (germline): Likely pathogenic (1 of 4 stars; one submission).

Conditions:
Inborn genetic diseases. Identifiers: MedGen C0950123, MeSH D030342.

Submission:

Ambry Genetics
Classification: Likely pathogenic for Inborn genetic diseases. Last evaluated: 2025-10-17. Review status: criteria provided, single submitter. Criteria: Ambry Variant Classification Scheme 2023. Collection method: clinical testing. Allele origin: germline.
Comment: The c.161A>G (p.K54R) alteration is located in exon 3 (coding exon 3) of the MAP4K4 gene. This alteration results from a A to G substitution at nucleotide position 161, causing the lysine (K) at amino acid position 54 to be replaced by an arginine (R). This variant was not reported in population-based cohorts in the Genome Aggregation Database (gnomAD). This amino acid position is highly conserved in available vertebrate species. This missense alteration is located in a region that has a low rate of benign missense variation (Lek, 2016; Firth, 2009). This alteration is predicted to be deleterious by in silico analysis. Based on the available evidence, this alteration is classified as likely pathogenic.